The following is an entry in ClinVar:

ClinVar aggregate classification (germline): Conflicting classifications of pathogenicity. Review status: criteria provided, conflicting classifications (1 of 4 stars). 2 submissions from 2 submitters: Uncertain significance (1); Likely benign (1). Last evaluated 2023-03-23.

Conditions:
Hereditary cancer-predisposing syndrome. Also called: Hereditary Cancer Syndrome; Tumor predisposition; Hereditary neoplastic syndrome; Neoplastic Syndromes, Hereditary. Identifiers: Orphanet 140162, MedGen C0027672, MeSH D009386, MONDO:0015356.
Hereditary breast ovarian cancer syndrome. Also called: Hereditary breast and ovarian cancer syndrome (HBOC); Breast and ovarian cancer; Hereditary breast and ovarian cancer syndrome; Hereditary breast and/or ovarian cancer syndrome; BRCA1- and BRCA2-Associated Hereditary Breast and Ovarian Cancer; Hereditary breast and ovarian cancer. Identifiers: Orphanet 145, MedGen C0677776, MeSH D061325, MONDO:0003582. Disease mechanism: loss of function.

Submissions (2):

University of Washington Department of Laboratory Medicine, University of Washington
Classification: Likely benign for Hereditary cancer-predisposing syndrome. Last evaluated: 2023-03-23. Review status: criteria provided, single submitter. Criteria: Dines et al. (Genet Med. 2020). Collection method: curation. Allele origin: germline.
Comment: Missense variant in a coldspot region where missense variants are very unlikely to be pathogenic (PMID:31911673).

BRCA2 exon 11 coldspot. Reclassification based on statistical prior probability.

Labcorp Genetics (formerly Invitae), Labcorp
Classification: Uncertain significance for Hereditary breast ovarian cancer syndrome. Last evaluated: 2021-03-22. Review status: criteria provided, single submitter. Criteria: Invitae Variant Classification Sherloc (09022015). Collection method: clinical testing. Allele origin: germline.
Comment: In summary, the available evidence is currently insufficient to determine the role of this variant in disease. Therefore, it has been classified as a Variant of Uncertain Significance. Advanced modeling of protein sequence and biophysical properties (such as structural, functional, and spatial information, amino acid conservation, physicochemical variation, residue mobility, and thermodynamic stability) performed at Invitae indicates that this missense variant is not expected to disrupt BRCA2 protein function. This variant has not been reported in the literature in individuals with BRCA2-related conditions. This variant is not present in population databases (ExAC no frequency). This sequence change replaces glycine with valine at codon 1433 of the BRCA2 protein (p.Gly1433Val). The glycine residue is highly conserved and there is a moderate physicochemical difference between glycine and valine.

NM_000059.4(BRCA2):c.4298G>T (p.Gly1433Val)

Gene: BRCA2 (BRCA2 DNA repair associated; plus strand). Cytogenetic location: 13q13.1.
Variant type: single nucleotide variant.
Coding change: c.4298G>T on transcript NM_000059.4 (MANE Select); coding-DNA position 4298, G replaced by T.
Protein change: p.Gly1433Val; replaces glycine 1433 with valine.
Molecular consequence: missense variant.
Genome position (GRCh38, 1-based): chr13:32,338,653, G>T. VCF-style: chr13-32338653-G-T. GRCh37 (hg19) VCF-style: chr13-32912790-G-T.
Other names: short protein forms G1433V.
Identifiers: ClinVar variation 1415640 (VCV001415640.9), dbSNP rs758795405, ClinGen allele CA387780703.
Genomic context (GRCh38, chr13:32,338,653, plus strand): 5'-AAACGGAGCAAAATATAAAAGATTTTGAGACTTCTGATACATTTTTTCAGACTGCAAGTG[G>T]GAAAAATATTAGTGTCGCCAAAGAGTCATTTAATAAAATTGTAAATTTCTTTGATCAGAA-3'
Protein context (NP_000050.3, residues 1423-1443): TSDTFFQTAS[Gly1433Val]KNISVAKESF